The following is an entry in ClinVar:

ClinVar aggregate classification (germline): Uncertain significance. Review status: criteria provided, multiple submitters, no conflicts (2 of 4 stars). 3 submissions from 3 submitters: Uncertain significance (3). Last evaluated 2025-05-26.

Conditions:
Anophthalmia/microphthalmia-esophageal atresia syndrome (MCOPS3). Also called: AEG SYNDROME; MICROPHTHALMIA AND ESOPHAGEAL ATRESIA SYNDROME; SOX2 Disorder. Identifiers: Orphanet 77298, MedGen C1859773, MONDO:0008799, OMIM 206900.
SOX2-related disorder. Also called: SOX2-related condition.

Submissions (3):

Labcorp Genetics (formerly Invitae), Labcorp
Classification: Uncertain significance for Anophthalmia/microphthalmia-esophageal atresia syndrome. Last evaluated: 2025-05-26. Review status: criteria provided, single submitter. Criteria: Invitae Variant Classification Sherloc (09022015). Collection method: clinical testing. Allele origin: germline.
Comment: This sequence change replaces leucine, which is neutral and non-polar, with phenylalanine, which is neutral and non-polar, at codon 81 of the SOX2 protein (p.Leu81Phe). This variant is not present in population databases (gnomAD no frequency). This variant has not been reported in the literature in individuals affected with SOX2-related conditions. ClinVar contains an entry for this variant (Variation ID: 2634342). Invitae Evidence Modeling of protein sequence and biophysical properties (such as structural, functional, and spatial information, amino acid conservation, physicochemical variation, residue mobility, and thermodynamic stability) indicates that this missense variant is expected to disrupt SOX2 protein function with a positive predictive value of 95%. In summary, the available evidence is currently insufficient to determine the role of this variant in disease. Therefore, it has been classified as a Variant of Uncertain Significance.

PreventionGenetics, part of Exact Sciences
Classification: Uncertain significance for SOX2-related condition. Last evaluated: 2023-09-11. Review status: criteria provided, single submitter. Criteria: ACMG Guidelines, 2015. Collection method: clinical testing. Allele origin: germline.
Comment: The SOX2 c.241C>T variant is predicted to result in the amino acid substitution p.Leu81Phe. To our knowledge, this variant has not been reported in the literature or in a large population database, indicating this variant is rare. At this time, the clinical significance of this variant is uncertain due to the absence of conclusive functional and genetic evidence.

Blueprint Genetics
Classification: Uncertain significance. Last evaluated: 2020-10-21. Review status: criteria provided, single submitter. Criteria: ACMG Guidelines, 2015. Collection method: clinical testing. Allele origin: germline.

NM_003106.4(SOX2):c.241C>T (p.Leu81Phe)

Genes: SOX2 (SRY-box transcription factor 2; plus strand), SOX2-OT (SOX2 overlapping transcript; plus strand), LOC108281177 (SOX2 5' regulatory region; plus strand). Cytogenetic location: 3q26.33.
Variant type: single nucleotide variant.
Coding change: c.241C>T on transcript NM_003106.4 (MANE Select); coding-DNA position 241, C replaced by T.
Protein change: p.Leu81Phe; replaces leucine 81 with phenylalanine.
Molecular consequence: missense variant.
Genome position (GRCh38, 1-based): chr3:181,712,601, C>T. VCF-style: chr3-181712601-C-T. GRCh37 (hg19) VCF-style: chr3-181430389-C-T.
Other names: short protein forms L81F.
Identifiers: ClinVar variation 2634342 (VCV002634342.3), dbSNP rs1714845693, ClinGen allele CA355473446.
Genomic context (GRCh38, chr3:181,712,601, plus strand): 5'-CAGGAGAACCCCAAGATGCACAACTCGGAGATCAGCAAGCGCCTGGGCGCCGAGTGGAAA[C>T]TTTTGTCGGAGACGGAGAAGCGGCCGTTCATCGACGAGGCTAAGCGGCTGCGAGCGCTGC-3'
Protein context (NP_003097.1, residues 71-91): ISKRLGAEWK[Leu81Phe]LSETEKRPFI